The following is an entry in ClinVar:

NM_001282860.2(GON4L):c.3538A>G (p.Ile1180Val)

Gene: GON4L (gon-4 like; minus strand). Cytogenetic location: 1q22.
Variant type: single nucleotide variant.
Coding change: c.3538A>G on transcript NM_001282860.2 (MANE Select); coding-DNA position 3538, A replaced by G.
Protein change: p.Ile1180Val; replaces isoleucine 1180 with valine.
Molecular consequence: missense variant.
Genome position (GRCh38, 1-based): chr1:155,765,935, T>C on the plus strand (A>G on the coding strand, the complement: GON4L is on the minus strand). VCF-style: chr1-155765935-T-C. GRCh37 (hg19) VCF-style: chr1-155735726-T-C.
Other names: c.3538A>G, p.Ile1180Val (NM_001282856.2, NM_001282858.2, NM_001282861.2 and 1 more transcripts); short protein forms I1180V.
Identifiers: ClinVar variation 4533778 (VCV004533778.6).
Genomic context (GRCh38, chr1:155,765,935, plus strand): 5'-CCACAAGGGACTGGTTCAATGGACAGGGGAAGGAAGTAGGGTTAACCAAGAGGGTAGTGA[T>C]GGGAATAGTCTGGGGACTCTGGGCCACAGCCGCATTGACAGGCTGGATCATGTTACAGCC-3'
Protein context (NP_001269789.1, residues 1170-1190): AVAQSPQTIP[Ile1180Val]TTLLVNPTSF

ClinVar aggregate classification (germline): Likely benign (1 of 4 stars; one submission).

gnomAD v4.1: 195 of 1,614,060 alleles (0.012%); highest among the groups gnomAD compares: Middle Eastern, 0.36%; 2 homozygotes.

Submission:

CeGaT Center for Human Genetics Tuebingen
Classification: Likely benign. Last evaluated: 2025-10-01. Review status: criteria provided, single submitter. Criteria: CeGaT Center For Human Genetics Tuebingen Variant Classification Criteria Version 2. Collection method: clinical testing. Allele origin: germline. Affected: yes. Observed: 1 variant allele.
Comment: GON4L: BP4